The following is an entry in ClinVar:

NM_017636.4(TRPM4):c.2335C>A (p.Pro779Thr)

Gene: TRPM4 (transient receptor potential cation channel subfamily M member 4; plus strand). Cytogenetic location: 19q13.33.
Variant type: single nucleotide variant.
Coding change: c.2335C>A on transcript NM_017636.4 (MANE Select); coding-DNA position 2335, C replaced by A.
Protein change: p.Pro779Thr; replaces proline 779 with threonine.
Molecular consequence: missense variant. On other transcripts: intron variant (1).
Genome position (GRCh38, 1-based): chr19:49,196,564, C>A. VCF-style: chr19-49196564-C-A. GRCh37 (hg19) VCF-style: chr19-49699821-C-A.
Other names: c.1990C>A, p.Pro664Thr (NM_001321281.2); c.727C>A, p.Pro243Thr (NM_001321282.2); c.1813C>A, p.Pro605Thr (NM_001321283.2); c.1273C>A, p.Pro425Thr (NM_001321285.2); c.2211-3736C>A (NM_001195227.2); short protein forms P779T, P425T, P243T, P605T, P664T.
Identifiers: ClinVar variation 451671 (VCV000451671.7), dbSNP rs534427774, ClinGen allele CA9569531.
Genomic context (GRCh38, chr19:49,196,564, plus strand): 5'-TGCGGGGGCCGCTGCGGGGGGCGCCGGTGCCTACGCCGCTGGTTCCACTTCTGGGGCGCG[C>A]CGGTGACCATCTTCATGGGCAACGTGGTCAGCTACCTGCTGTTCCTGCTGCTTTTCTCGC-3'
Protein context (NP_060106.2, residues 769-789): LRRWFHFWGA[Pro779Thr]VTIFMGNVVS

ClinVar aggregate classification (germline): Conflicting classifications of pathogenicity. Review status: criteria provided, conflicting classifications (1 of 4 stars). 4 submissions from 4 submitters: Uncertain significance (3); Likely benign (1). Last evaluated 2025-10-26.

Conditions:
Cardiovascular phenotype. Identifiers: MedGen CN230736.
Progressive familial heart block type IB (PFHB1B). Identifiers: Orphanet 871, MedGen C1970298, MONDO:0011474, OMIM 604559.

Allele frequency attached by ClinVar (database versions not stated): gnomAD below 0.00001 and 0.00006; TOPMed below 0.00001; gnomAD exomes 0.00008 and 0.00019; 1000 Genomes Project 0.00020; 1000 Genomes Project 30x 0.00031; ExAC 0.00042.
gnomAD v4.1: 116 of 1,554,890 alleles (0.0075%); highest among the groups gnomAD compares: South Asian, 0.13%; 3 homozygotes.

Submissions (4):

Labcorp Genetics (formerly Invitae), Labcorp
Classification: Likely benign for Progressive familial heart block type IB. Last evaluated: 2025-10-26. Review status: criteria provided, single submitter. Criteria: Invitae Variant Classification Sherloc (09022015). Collection method: clinical testing. Allele origin: germline.

Ambry Genetics
Classification: Uncertain significance for Cardiovascular phenotype. Last evaluated: 2025-09-19. Review status: criteria provided, single submitter. Criteria: Ambry Variant Classification Scheme 2023. Collection method: clinical testing. Allele origin: germline.
Comment: The p.P779T variant (also known as c.2335C>A), located in coding exon 17 of the TRPM4 gene, results from a C to A substitution at nucleotide position 2335. The proline at codon 779 is replaced by threonine, an amino acid with highly similar properties. This amino acid position is highly conserved in available vertebrate species. In addition, this alteration is predicted to be deleterious by in silico analysis. Based on the available evidence, the clinical significance of this variant remains unclear.

GeneDx
Classification: Uncertain significance. Last evaluated: 2024-12-30. Review status: criteria provided, single submitter. Criteria: GeneDx Variant Classification Process June 2021. Collection method: clinical testing. Allele origin: germline. Affected: yes.
Comment: In silico analysis supports that this missense variant has a deleterious effect on protein structure/function; Has not been previously published as pathogenic or benign to our knowledge

Blueprint Genetics
Classification: Uncertain significance. Last evaluated: 2023-11-22. Review status: criteria provided, single submitter. Criteria: ACMG Guidelines, 2015. Collection method: clinical testing. Allele origin: germline.